The following is an entry in ClinVar:

NM_001034853.2(RPGR):c.2408G>A (p.Gly803Glu)

Gene: RPGR (retinitis pigmentosa GTPase regulator; minus strand). Cytogenetic location: Xp11.4.
Variant type: single nucleotide variant.
Coding change: c.2408G>A on transcript NM_001034853.2 (MANE Select); coding-DNA position 2408, G replaced by A.
Protein change: p.Gly803Glu; replaces glycine 803 with glutamic acid.
Molecular consequence: missense variant. On other transcripts: intron variant (8).
Genome position (GRCh38, 1-based): chrX:38,286,591, C>T on the plus strand (G>A on the coding strand, the complement: RPGR is on the minus strand). VCF-style: chrX-38286591-C-T. GRCh37 (hg19) VCF-style: chrX-38145844-C-T.
Other names: c.1569+4368G>A (NM_001367249.1, NM_001367250.1); c.1902+503G>A (NM_001367245.1); c.1386+4368G>A (NM_001367251.1); c.1719+503G>A (NM_001367246.1); c.1572+4368G>A (NM_001367247.1); c.1905+503G>A (NM_000328.3); c.1602+4368G>A (NM_001367248.1); c.2408G>A (NM_001034853.1); short protein forms G803E.
Identifiers: ClinVar variation 2162625 (VCV002162625.6), dbSNP rs1365914853, ClinGen allele CA412730709.

ClinVar aggregate classification (germline): Conflicting classifications of pathogenicity. Review status: criteria provided, conflicting classifications (1 of 4 stars). 3 submissions from 3 submitters: Uncertain significance (2); Benign (1). Last evaluated 2026-05-14.

Conditions:
RPGR-related disorder. Also called: RPGR-related condition.
Primary ciliary dyskinesia. Also called: Ciliary dyskinesia. Identifiers: Orphanet 244, MedGen C0008780, MONDO:0016575, HP:0012265.

Allele frequency attached by ClinVar (database versions not stated): gnomAD exomes 0.00001.
gnomAD v4.1: 12 of 1,081,114 alleles (0.0011%); highest among the groups gnomAD compares: Admixed American, 0.038%; no homozygotes.

Submissions (3):

PreventionGenetics, part of Exact Sciences
Classification: Uncertain significance for RPGR-related condition. Last evaluated: 2026-05-14. Review status: criteria provided, single submitter. Criteria: ACMG Guidelines, 2015. Collection method: clinical testing. Allele origin: germline.
Comment: The RPGR c.2408G>A variant is predicted to result in the amino acid substitution p.Gly803Glu. To our knowledge, this variant has not been reported in the literature. This variant is reported in 0.049% of alleles in individuals of Latino descent in gnomAD, including one hemizygote. Although we suspect that this variant may be benign, at this time, the clinical significance of this variant is uncertain due to the absence of conclusive functional and genetic evidence.

Labcorp Genetics (formerly Invitae), Labcorp
Classification: Uncertain significance for Primary ciliary dyskinesia. Last evaluated: 2023-01-17. Review status: criteria provided, single submitter. Criteria: Invitae Variant Classification Sherloc (09022015). Collection method: clinical testing. Allele origin: germline.
Comment: This variant has not been reported in the literature in individuals affected with RPGR (ORF15)-related conditions. This sequence change replaces glycine, which is neutral and non-polar, with glutamic acid, which is acidic and polar, at codon 803 of the RPGR (ORF15) protein (p.Gly803Glu). This variant is present in population databases (no rsID available, gnomAD 0.03%). Advanced modeling of protein sequence and biophysical properties (such as structural, functional, and spatial information, amino acid conservation, physicochemical variation, residue mobility, and thermodynamic stability) performed at Invitae indicates that this missense variant is not expected to disrupt RPGR (ORF15) protein function. In summary, the available evidence is currently insufficient to determine the role of this variant in disease. Therefore, it has been classified as a Variant of Uncertain Significance.

Blueprint Genetics
Classification: Benign. Last evaluated: 2022-05-25. Review status: criteria provided, single submitter. Criteria: ACMG Guidelines, 2015. Collection method: clinical testing. Allele origin: germline.